The following is an entry in ClinVar:

ClinVar aggregate classification (germline): Likely pathogenic (1 of 4 stars; one submission).

Conditions:
CFI-related disorder. Also called: CFI-related condition; CFI-related disorders. Identifiers: MedGen CN239325.

Submission:

Genomenon, Inc
Classification: Likely pathogenic for CFI-related disorder. Last evaluated: 2025-09-26. Review status: criteria provided, single submitter. Criteria: Genomenon Sequence Variant Interpretation Standards - Updated. Collection method: curation. Allele origin: germline. Affected: yes.
Comment: CFI p.Asp164Val (c.491A>T) is a missense variant that changes the amino acid at residue 164 from Aspartic acid to Valine. This variant has been observed in at least one proband affected with a CFI-related disorder (PMID:20059470;32510551). The variant was found to segregate with disease in at least one affected family (PMID:20059470). At least one functional study has demonstrated a substantial alteration in protein function relative to the wild-type (PMID:32510551). It is absent or not present at a significant frequency in gnomAD. In silico models agree that this variant is not damaging. In conclusion, we classify CFI p.Asp164Val (c.491A>T) as a likely pathogenic variant.

Literature cited by the submitters: PubMed 20059470; 32510551.

NM_000204.5(CFI):c.491A>T (p.Asp164Val)

Gene: CFI (complement factor I; minus strand). Cytogenetic location: 4q25.
Variant type: single nucleotide variant.
Coding change: c.491A>T on transcript NM_000204.5 (MANE Select); coding-DNA position 491, A replaced by T.
Protein change: p.Asp164Val; replaces aspartic acid 164 with valine.
Molecular consequence: missense variant. On other transcripts: 5 prime UTR variant (1), non-coding transcript variant (3).
Genome position (GRCh38, 1-based): chr4:109,761,684, T>A on the plus strand (A>T on the coding strand, the complement: CFI is on the minus strand). VCF-style: chr4-109761684-T-A. GRCh37 (hg19) VCF-style: chr4-110682840-T-A.
Other names: c.491A>T, p.Asp164Val (NM_001318057.2, NM_001331035.2, NM_001375278.1 and 10 more transcripts); c.-119A>T (NM_001375284.1); short protein forms D164V.
Identifiers: ClinVar variation 4280449 (VCV004280449.1).